The following is an entry in ClinVar:

NM_080680.3(COL11A2):c.1923C>G (p.Pro641=)

Gene: COL11A2 (collagen type XI alpha 2 chain; minus strand). Cytogenetic location: 6p21.32.
Variant type: single nucleotide variant.
Coding change: c.1923C>G on transcript NM_080680.3 (MANE Select); coding-DNA position 1923, C replaced by G.
Protein change: p.Pro641=; no amino-acid change (proline 641 retained).
Molecular consequence: synonymous variant.
Genome position (GRCh38, 1-based): chr6:33,177,460, G>C on the plus strand (C>G on the coding strand, the complement: COL11A2 is on the minus strand). VCF-style: chr6-33177460-G-C. GRCh37 (hg19) VCF-style: chr6-33145237-G-C.
Other names: c.1602C>G, p.Pro534= (NM_080679.3); c.1665C>G, p.Pro555= (NM_080681.3); c.1923C>G (NM_080680.2).
Identifiers: ClinVar variation 2046765 (VCV002046765.7), dbSNP rs1562353730, ClinGen allele CA449885129.
Genomic context (GRCh38, chr6:33,177,460, plus strand): 5'-GGCACCGCTCACCTGGGTCCCAGGGGTGCCCTGTTGTCCAGGAGGTCCTGGCTCTCCCTG[G>C]GGTCCCTAGAAACAGGTGACCAGGCACAGGTCAGAAGGAGATGGAGATAGAACACATTTA-3'
Protein context (NP_542411.2, residues 631-651): GPQGPKGSLG[Pro641=]QGEPGPPGQQ

ClinVar aggregate classification (germline): Likely benign. Review status: criteria provided, multiple submitters, no conflicts (2 of 4 stars). 3 submissions from 3 submitters: Likely benign (2). 1 of the submissions does not count toward it. Last evaluated 2024-08-06.

Conditions:
COL11A2-related disorder. Also called: COL11A2-related disorders; COL11A2-related condition.

Allele frequency attached by ClinVar (database versions not stated): gnomAD exomes 0.00001.
gnomAD v4.1: 9 of 1,612,900 alleles (0.00056%); highest among the groups gnomAD compares: Middle Eastern, 0.017%; 1 homozygote.

Submissions (3):

Blueprint Genetics
Classification: Likely benign. Last evaluated: 2024-08-06. Review status: criteria provided, single submitter. Criteria: ACMG Guidelines, 2015. Collection method: clinical testing. Allele origin: germline.

Labcorp Genetics (formerly Invitae), Labcorp
Classification: Likely benign. Last evaluated: 2023-08-23. Review status: criteria provided, single submitter. Criteria: Invitae Variant Classification Sherloc (09022015). Collection method: clinical testing. Allele origin: germline.

PreventionGenetics, part of Exact Sciences
Classification: Likely benign for COL11A2-related condition. Last evaluated: 2020-02-26. Review status: no assertion criteria provided. Collection method: clinical testing. Allele origin: germline. Not counted in ClinVar's aggregate classification.
Comment: This variant is classified as likely benign based on ACMG/AMP sequence variant interpretation guidelines (Richards et al. 2015 PMID: 25741868, with internal and published modifications).